The following is an entry in ClinVar:

NM_001394998.1(TANC2):c.587C>G (p.Ser196Ter)

Gene: TANC2 (tetratricopeptide repeat, ankyrin repeat and coiled-coil containing 2; plus strand). Cytogenetic location: 17q23.3.
Variant type: single nucleotide variant.
Coding change: c.587C>G on transcript NM_001394998.1 (MANE Select); coding-DNA position 587, C replaced by G.
Protein change: p.Ser196Ter; replaces serine 196 with a stop codon.
Molecular consequence: nonsense.
Genome position (GRCh38, 1-based): chr17:63,200,775, C>G. VCF-style: chr17-63200775-C-G. GRCh37 (hg19) VCF-style: chr17-61278136-C-G.
Other names: c.365C>G, p.Ser122Ter (NM_001411076.1, NM_025185.4); short protein forms S122*, S196*.
Identifiers: ClinVar variation 2692534 (VCV002692534.1), dbSNP rs2510632551, ClinGen allele CA400793453.

ClinVar aggregate classification (germline): Likely pathogenic (1 of 4 stars; one submission).

Conditions:
Intellectual developmental disorder with autistic features and language delay, with or without seizures. Identifiers: MedGen C5394447, MONDO:0030051, OMIM 618906.

Submission:

Greenwood Genetic Center Diagnostic Laboratories, Greenwood Genetic Center
Classification: Likely pathogenic for Intellectual developmental disorder with autistic features and language delay, with or without seizures. Last evaluated: 2023-10-10. Review status: criteria provided, single submitter. Criteria: ACMG Guidelines, 2015. Collection method: clinical testing. Allele origin: germline. Affected: yes.
Comment: PVS1, PM2